The following is an entry in ClinVar:

ClinVar aggregate classification (germline): Uncertain significance. Review status: criteria provided, multiple submitters, no conflicts (2 of 4 stars). 3 submissions from 3 submitters: Uncertain significance (3). Last evaluated 2021-08-30.

Conditions:
LAMA2-related muscular dystrophy (LAMA2-RD). Also called: Laminin alpha 2-related dystrophy. Identifiers: MedGen C5679788, MONDO:0100228.
Congenital muscular dystrophy due to partial LAMA2 deficiency. Identifiers: MedGen C1842898.

Allele frequency attached by ClinVar (database versions not stated): ExAC 0.00001; gnomAD exomes 0.00001.
gnomAD v4.1: 19 of 1,613,952 alleles (0.0012%); highest among the groups gnomAD compares: Non-Finnish European, 0.0016%; no homozygotes.

Submissions (3):

Labcorp Genetics (formerly Invitae), Labcorp
Classification: Uncertain significance for LAMA2-related muscular dystrophy. Last evaluated: 2021-08-30. Review status: criteria provided, single submitter. Criteria: Invitae Variant Classification Sherloc (09022015). Collection method: clinical testing. Allele origin: germline.
Comment: This sequence change replaces asparagine with lysine at codon 2061 of the LAMA2 protein (p.Asn2061Lys). The asparagine residue is moderately conserved and there is a moderate physicochemical difference between asparagine and lysine. This variant is present in population databases (rs775825512, ExAC 0.002%). This variant has not been reported in the literature in individuals affected with LAMA2-related conditions. Algorithms developed to predict the effect of missense changes on protein structure and function (SIFT, PolyPhen-2, Align-GVGD) all suggest that this variant is likely to be tolerated. In summary, the available evidence is currently insufficient to determine the role of this variant in disease. Therefore, it has been classified as a Variant of Uncertain Significance.

Revvity Omics, Revvity
Classification: Uncertain significance. Last evaluated: 2019-10-10. Review status: criteria provided, single submitter. Criteria: ACMG Guidelines, 2015. Collection method: clinical testing. Allele origin: germline.

Illumina Laboratory Services, Illumina
Classification: Uncertain significance for Congenital muscular dystrophy due to partial LAMA2 deficiency. Last evaluated: 2018-01-13. Review status: criteria provided, single submitter. Criteria: ICSL Variant Classification Criteria 13 December 2019. Collection method: clinical testing. Allele origin: germline.

NM_000426.4(LAMA2):c.6183C>A (p.Asn2061Lys)

Genes: LAMA2 (laminin subunit alpha 2; plus strand), LOC123864065 (Sharpr-MPRA regulatory region 661; plus strand). Cytogenetic location: 6q22.33.
Variant type: single nucleotide variant.
Coding change: c.6183C>A on transcript NM_000426.4 (MANE Select); coding-DNA position 6183, C replaced by A.
Protein change: p.Asn2061Lys; replaces asparagine 2061 with lysine.
Molecular consequence: missense variant.
Genome position (GRCh38, 1-based): chr6:129,440,913, C>A. VCF-style: chr6-129440913-C-A. GRCh37 (hg19) VCF-style: chr6-129762058-C-A.
Other names: c.6183C>A, p.Asn2061Lys (NM_001079823.2); short protein forms N2061K.
Identifiers: ClinVar variation 906021 (VCV000906021.11), dbSNP rs775825512, ClinGen allele CA3994130.